The following is an entry in ClinVar:

NM_001365902.3(NFIX):c.1204G>T (p.Glu402Ter)

Gene: NFIX (nuclear factor I X; plus strand). Cytogenetic location: 19p13.13.
Variant type: single nucleotide variant.
Coding change: c.1204G>T on transcript NM_001365902.3 (MANE Select); coding-DNA position 1204, G replaced by T.
Protein change: p.Glu402Ter; replaces glutamic acid 402 with a stop codon.
Molecular consequence: nonsense.
Genome position (GRCh38, 1-based): chr19:13,081,805, G>T. VCF-style: chr19-13081805-G-T. GRCh37 (hg19) VCF-style: chr19-13192619-G-T.
Other names: c.1228G>T, p.Glu410Ter (NM_001271043.2); c.1180G>T, p.Glu394Ter (NM_001271044.3, NM_001378404.1); c.1081G>T, p.Glu361Ter (NM_001365982.2); c.1063G>T, p.Glu355Ter (NM_001365983.2); c.1201G>T, p.Glu401Ter (NM_001365984.2, NM_001365985.2); c.1252G>T, p.Glu418Ter (NM_001378405.1); c.1204G>T, p.Glu402Ter (NM_002501.4); short protein forms E401*, E410*, E355*, E394*, E418*, E402*, E361*.
Identifiers: ClinVar variation 2947036 (VCV002947036.3), dbSNP rs2512978581, ClinGen allele CA404304528.

ClinVar aggregate classification (germline): Pathogenic (1 of 4 stars; one submission).

Conditions:
Malan overgrowth syndrome (MALNS). Also called: NFIX-Related Malan Syndrome; MALAN SYNDROME; Sotos syndrome 2. Identifiers: Orphanet 420179, MedGen C3553660, MONDO:0013885, OMIM 614753.
Marshall-Smith syndrome (MRSHSS). Identifiers: Orphanet 561, MedGen C0265211, MONDO:0011244, OMIM 602535.

Submission:

Labcorp Genetics (formerly Invitae), Labcorp
Classification: Pathogenic for Malan overgrowth syndrome; Marshall-Smith syndrome. Last evaluated: 2023-04-23. Review status: criteria provided, single submitter. Criteria: Invitae Variant Classification Sherloc (09022015). Collection method: clinical testing. Allele origin: germline.
Comment: This sequence change creates a premature translational stop signal (p.Glu410*) in the NFIX gene. It is expected to result in an absent or disrupted protein product. Loss-of-function variants in NFIX are known to be pathogenic (PMID: 20673863, 20949508, 24924640, 25118028). This variant is not present in population databases (gnomAD no frequency). This variant has not been reported in the literature in individuals affected with NFIX-related conditions. For these reasons, this variant has been classified as Pathogenic.

Literature cited by the submitters: PubMed 20673863; PubMed 20949508; PubMed 24924640; PubMed 25118028.